The following is an entry in ClinVar:

NM_176824.3(BBS7):c.1891-1G>A

Gene: BBS7 (Bardet-Biedl syndrome 7; minus strand). Cytogenetic location: 4q27.
Variant type: single nucleotide variant.
Coding change: c.1891-1G>A on transcript NM_176824.3 (MANE Select); the canonical splice acceptor site of the intron before coding-DNA position 1891, G replaced by A.
Molecular consequence: splice acceptor variant.
Genome position (GRCh38, 1-based): chr4:121,828,270, C>T on the plus strand (G>A on the coding strand, the complement: BBS7 is on the minus strand). VCF-style: chr4-121828270-C-T. GRCh37 (hg19) VCF-style: chr4-122749425-C-T.
Other names: c.1891-1G>A (NM_018190.4).
Identifiers: ClinVar variation 1383738 (VCV001383738.6), dbSNP rs2149048173, ClinGen allele CA358054620.
Genomic context (GRCh38, chr4:121,828,270, plus strand): 5'-TAGAATACAGTGATATTCTGGTATCAGAAAGTTCGTATTTCCCTCATGAATCTGTAATTC[C>T]TATTTAAAATGAAAAACAGAAGCACCTTAATATTCAAAATTCAATCCAATGTAATGTTAA-3'

ClinVar aggregate classification (germline): Pathogenic (1 of 4 stars; one submission).

Conditions:
Bardet-Biedl syndrome (BBS). Identifiers: Orphanet 110, MedGen C0752166, MONDO:0015229.

Submission:

Labcorp Genetics (formerly Invitae), Labcorp
Classification: Pathogenic for Bardet-Biedl syndrome. Last evaluated: 2025-02-06. Review status: criteria provided, single submitter. Criteria: Invitae Variant Classification Sherloc (09022015). Collection method: clinical testing. Allele origin: germline.
Comment: This sequence change affects an acceptor splice site in intron 17 of the BBS7 gene. It is expected to disrupt RNA splicing. Variants that disrupt the donor or acceptor splice site typically lead to a loss of protein function (PMID: 16199547), and loss-of-function variants in BBS7 are known to be pathogenic (PMID: 12567324, 19402160, 21209035, 31196119). This variant is not present in population databases (gnomAD no frequency). Disruption of this splice site has been observed in individual(s) with clinical features of Bardet-Biedl syndrome (internal data). In at least one individual the data is consistent with being in trans (on the opposite chromosome) from a pathogenic variant. ClinVar contains an entry for this variant (Variation ID: 1383738). Algorithms developed to predict the effect of sequence changes on RNA splicing suggest that this variant may disrupt the consensus splice site. For these reasons, this variant has been classified as Pathogenic.

Literature cited by the submitters: PubMed 16199547; PubMed 12567324; PubMed 19402160; PubMed 21209035; PubMed 31196119.